The following is an entry in ClinVar:

NM_004260.4(RECQL4):c.184T>A (p.Ser62Thr)

Genes: RECQL4 (RecQ like helicase 4; minus strand), LOC130001411 (ATAC-STARR-seq lymphoblastoid silent region 19699; plus strand). Cytogenetic location: 8q24.3.
Variant type: single nucleotide variant.
Coding change: c.184T>A on transcript NM_004260.4 (MANE Select); coding-DNA position 184, T replaced by A.
Protein change: p.Ser62Thr; replaces serine 62 with threonine.
Molecular consequence: missense variant. On other transcripts: 5 prime UTR variant (16), non-coding transcript variant (3), intron variant (2).
Genome position (GRCh38, 1-based): chr8:144,517,443, A>T on the plus strand (T>A on the coding strand, the complement: RECQL4 is on the minus strand). VCF-style: chr8-144517443-A-T. GRCh37 (hg19) VCF-style: chr8-145742827-A-T.
Other names: c.184T>A, p.Ser62Thr (NM_001413017.1, NM_001413018.1, NM_001413019.1 and 5 more transcripts); c.-537T>A (NM_001413021.1); c.-888T>A (NM_001413022.1, NM_001413023.1, NM_001413037.1 and 2 more transcripts); c.-785T>A (NM_001413024.1, NM_001413035.1); c.-950T>A (NM_001413027.1, NM_001413030.1, NM_001413031.1 and 1 more transcripts); c.-613T>A (NM_001413028.1); c.-847T>A (NM_001413032.1); c.-792T>A (NM_001413034.1); and 3 more; short protein forms S62T.
Identifiers: ClinVar variation 5028110 (VCV005028110.1).

ClinVar aggregate classification (germline): Uncertain significance (1 of 4 stars; one submission).

Conditions:
Inborn genetic diseases. Identifiers: MedGen C0950123, MeSH D030342.

Submission:

Ambry Genetics
Classification: Uncertain significance for Inborn genetic diseases. Last evaluated: 2026-08-24. Review status: criteria provided, single submitter. Criteria: Ambry Variant Classification Scheme 2023. Collection method: clinical testing. Allele origin: germline.
Comment: The p.S62T variant (also known as c.184T>A), located in coding exon 3 of the RECQL4 gene, results from a T to A substitution at nucleotide position 184. The serine at codon 62 is replaced by threonine, an amino acid with similar properties. This amino acid position is conserved. In addition, this alteration is predicted to be tolerated by in silico analysis. Based on the available evidence, the clinical significance of this variant remains unclear.